The following is an entry in ClinVar:

NM_001754.5(RUNX1):c.727C>A (p.Pro243Thr)

Gene: RUNX1 (RUNX family transcription factor 1; minus strand). Cytogenetic location: 21q22.12.
Variant type: single nucleotide variant.
Coding change: c.727C>A on transcript NM_001754.5 (MANE Select); coding-DNA position 727, C replaced by A.
Protein change: p.Pro243Thr; replaces proline 243 with threonine.
Molecular consequence: missense variant.
Genome position (GRCh38, 1-based): chr21:34,834,488, G>T on the plus strand (C>A on the coding strand, the complement: RUNX1 is on the minus strand). VCF-style: chr21-34834488-G-T. GRCh37 (hg19) VCF-style: chr21-36206785-G-T.
Other names: NM_001754.5(RUNX1):c.727C>A; p.Pro243Thr; c.727C>A (NM_001754.4); c.646C>A, p.Pro216Thr (NM_001001890.3, NM_001122607.2); short protein forms P243T, P216T.
Identifiers: ClinVar variation 1035156 (VCV001035156.10), dbSNP rs1420171638, ClinGen allele CA410206811.

ClinVar aggregate classification (germline): Uncertain significance. Review status: reviewed by expert panel (3 of 4 stars). 3 submissions from 3 submitters: Uncertain significance (1). 2 of the submissions do not count toward it. Last evaluated 2024-08-12.

Conditions:
Hereditary thrombocytopenia and hematological cancer predisposition syndrome associated with RUNX1. Also called: PLATELET DISORDER, ASPIRIN-LIKE; Familial Platelet Disorder with Propensity to Acute Myelogenous Leukemia; Familial thrombocytopenia with propensity to acute myelogenous leukemia; RUNX1 Familial Platelet Disorder with Associated Myeloid Malignancies. Identifiers: Orphanet 71290, MedGen C1832388, MeSH C563324, MONDO:0100083, OMIM 601399.
Inborn genetic diseases. Identifiers: MedGen C0950123, MeSH D030342.
Hereditary thrombocytopenia and hematologic cancer predisposition syndrome. Identifiers: Orphanet 71290, MedGen CN281654, MONDO:0011071.

Submissions (3):

ClinGen Myeloid Malignancy Variant Curation Expert Panel
Classification: Uncertain significance for Hereditary thrombocytopenia and hematologic cancer predisposition syndrome. Last evaluated: 2024-08-12. Review status: reviewed by expert panel. Criteria: ClinGen MyeloMalig ACMG Specifications v2. Collection method: curation. Allele origin: germline. Inheritance: Autosomal dominant inheritance.
Comment: NM_001754.5(RUNX1):c.727C>A (p.Pro243Thr) is a missense variant which is absent from gnomAD v2 and v3 (PM2_Supporting). The computational predictor REVEL gives a score of 0.293, and the splice site predictor SpliceAI indicated no impact on splicing, evidence that does not predict a damaging effect on RUNX1 function (BP4). In summary, this variant meets the criteria to be classified as a VUS for autosomal dominant hereditary thrombocytopenia and hematologic cancer predisposition syndrome based on the ACMG/AMP criteria applied, as specified by the ClinGen Myeloid Malignancy VCEP: PM2_Supporting and BP4.

Ambry Genetics
Classification: Uncertain significance for Inborn genetic diseases. Last evaluated: 2025-01-30. Review status: criteria provided, single submitter. Criteria: Ambry Variant Classification Scheme 2023. Collection method: clinical testing. Allele origin: germline. Not counted in ClinVar's aggregate classification.
Comment: The p.P243T variant (also known as c.727C>A), located in coding exon 6 of the RUNX1 gene, results from a C to A substitution at nucleotide position 727. The proline at codon 243 is replaced by threonine, an amino acid with highly similar properties. This amino acid position is conserved. In addition, the in silico prediction for this alteration is inconclusive. Based on the available evidence, the clinical significance of this variant remains unclear.

Labcorp Genetics (formerly Invitae), Labcorp
Classification: Uncertain significance for Hereditary thrombocytopenia and hematological cancer predisposition syndrome associated with RUNX1. Last evaluated: 2023-08-14. Review status: criteria provided, single submitter. Criteria: Invitae Variant Classification Sherloc (09022015). Collection method: clinical testing. Allele origin: germline. Not counted in ClinVar's aggregate classification.
Comment: This sequence change replaces proline, which is neutral and non-polar, with threonine, which is neutral and polar, at codon 243 of the RUNX1 protein (p.Pro243Thr). This variant is not present in population databases (gnomAD no frequency). In summary, the available evidence is currently insufficient to determine the role of this variant in disease. Therefore, it has been classified as a Variant of Uncertain Significance. Advanced modeling of protein sequence and biophysical properties (such as structural, functional, and spatial information, amino acid conservation, physicochemical variation, residue mobility, and thermodynamic stability) has been performed at Invitae for this missense variant, however the output from this modeling did not meet the statistical confidence thresholds required to predict the impact of this variant on RUNX1 protein function. ClinVar contains an entry for this variant (Variation ID: 1035156). This variant has not been reported in the literature in individuals affected with RUNX1-related conditions.